The following is an entry in ClinVar:

ClinVar aggregate classification (germline): Uncertain significance (1 of 4 stars; one submission).

Conditions:
Neurofibromatosis, type 1 (NF1). Also called: Peripheral type neurofibromatosis; Neurofibromatosis, type I; VON RECKLINGHAUSEN DISEASE; NEUROFIBROMATOSIS, TYPE I, SOMATIC. Identifiers: Orphanet 636, MedGen C0027831, MONDO:0018975, OMIM 162200. Disease mechanism: loss of function.

gnomAD v4.1: 4 of 1,614,038 alleles (0.00025%); highest among the groups gnomAD compares: Non-Finnish European, 0.00034%; no homozygotes.

Submission:

Labcorp Genetics (formerly Invitae), Labcorp
Classification: Uncertain significance for Neurofibromatosis, type 1. Last evaluated: 2026-01-14. Review status: criteria provided, single submitter. Criteria: Invitae Variant Classification Sherloc (09022015). Collection method: clinical testing. Allele origin: germline.
Comment: This sequence change falls in intron 10 of the NF1 gene. It does not directly change the encoded amino acid sequence of the NF1 protein. It affects a nucleotide within the consensus splice site. This variant is not present in population databases (gnomAD no frequency). This variant has not been reported in the literature in individuals affected with NF1-related conditions. ClinVar contains an entry for this variant (Variation ID: 2883378). Variants that disrupt the consensus splice site are a relatively common cause of aberrant splicing (PMID: 17576681, 9536098). Algorithms developed to predict the effect of sequence changes on RNA splicing suggest that this variant is not likely to affect RNA splicing. In summary, the available evidence is currently insufficient to determine the role of this variant in disease. Therefore, it has been classified as a Variant of Uncertain Significance.

Literature cited by the submitters: PubMed 17576681; PubMed 9536098.

NM_001042492.3(NF1):c.1185+6A>G

Gene: NF1 (neurofibromin 1; plus strand). Cytogenetic location: 17q11.2.
Variant type: single nucleotide variant.
Coding change: c.1185+6A>G on transcript NM_001042492.3 (MANE Select); 6 bases into the intron after coding-DNA position 1185, A replaced by G.
Molecular consequence: intron variant.
Genome position (GRCh38, 1-based): chr17:31,201,165, A>G. VCF-style: chr17-31201165-A-G. GRCh37 (hg19) VCF-style: chr17-29528183-A-G.
Other names: c.1185+6A>G (NM_000267.4, NM_001128147.3).
Identifiers: ClinVar variation 2883378 (VCV002883378.3), dbSNP rs2544797617, ClinGen allele CA2576222776.